The following is an entry in ClinVar:

NM_004247.4(EFTUD2):c.1376C>G (p.Ser459Cys)

Gene: EFTUD2 (elongation factor Tu GTP binding domain containing 2; minus strand). Cytogenetic location: 17q21.31.
Variant type: single nucleotide variant.
Coding change: c.1376C>G on transcript NM_004247.4 (MANE Select); coding-DNA position 1376, C replaced by G.
Protein change: p.Ser459Cys; replaces serine 459 with cysteine.
Molecular consequence: missense variant.
Genome position (GRCh38, 1-based): chr17:44,863,692, G>C on the plus strand (C>G on the coding strand, the complement: EFTUD2 is on the minus strand). VCF-style: chr17-44863692-G-C. GRCh37 (hg19) VCF-style: chr17-42941060-G-C.
Other names: c.1376C>G (NM_004247.3); c.1271C>G, p.Ser424Cys (NM_001142605.2); c.1376C>G, p.Ser459Cys (NM_001258353.2); c.1346C>G, p.Ser449Cys (NM_001258354.2); short protein forms S424C, S449C, S459C.
Identifiers: ClinVar variation 1406768 (VCV001406768.8), dbSNP rs377238998, ClinGen allele CA8607799.

ClinVar aggregate classification (germline): Uncertain significance. Review status: criteria provided, multiple submitters, no conflicts (2 of 4 stars). 2 submissions from 2 submitters: Uncertain significance (2). Last evaluated 2025-12-03.

Conditions:
EFTUD2-related disorder. Also called: EFTUD2-related condition.

gnomAD v4.1: 4 of 1,614,062 alleles (0.00025%); highest among the groups gnomAD compares: Admixed American, 0.005%; no homozygotes.

Submissions (2):

PreventionGenetics, part of Exact Sciences
Classification: Uncertain significance for EFTUD2-related condition. Last evaluated: 2025-12-03. Review status: criteria provided, single submitter. Criteria: ACMG Guidelines, 2015. Collection method: clinical testing. Allele origin: germline.
Comment: The EFTUD2 c.1376C>G variant is predicted to result in the amino acid substitution p.Ser459Cys. To our knowledge, this variant has not been reported in the literature. This variant is reported in 0.0056% of alleles in individuals of Latino descent in gnomAD. At this time, the clinical significance of this variant is uncertain due to the absence of conclusive functional and genetic evidence.

Labcorp Genetics (formerly Invitae), Labcorp
Classification: Uncertain significance. Last evaluated: 2025-10-01. Review status: criteria provided, single submitter. Criteria: Invitae Variant Classification Sherloc (09022015). Collection method: clinical testing. Allele origin: germline.
Comment: This sequence change replaces serine, which is neutral and polar, with cysteine, which is neutral and slightly polar, at codon 459 of the EFTUD2 protein (p.Ser459Cys). This variant is present in population databases (rs377238998, gnomAD 0.006%). This variant has not been reported in the literature in individuals affected with EFTUD2-related conditions. ClinVar contains an entry for this variant (Variation ID: 1406768). Invitae Evidence Modeling of protein sequence and biophysical properties (such as structural, functional, and spatial information, amino acid conservation, physicochemical variation, residue mobility, and thermodynamic stability) indicates that this missense variant is expected to disrupt EFTUD2 protein function with a positive predictive value of 80%. In summary, the available evidence is currently insufficient to determine the role of this variant in disease. Therefore, it has been classified as a Variant of Uncertain Significance.